The following is an entry in ClinVar:

NM_012123.4(MTO1):c.1495C>T (p.Gln499Ter)

Gene: MTO1 (mitochondrial tRNA translation optimization 1; plus strand). Cytogenetic location: 6q13.
Variant type: single nucleotide variant.
Coding change: c.1495C>T on transcript NM_012123.4 (MANE Select); coding-DNA position 1495, C replaced by T.
Protein change: p.Gln499Ter; replaces glutamine 499 with a stop codon.
Molecular consequence: nonsense.
Genome position (GRCh38, 1-based): chr6:73,482,478, C>T. VCF-style: chr6-73482478-C-T. GRCh37 (hg19) VCF-style: chr6-74192201-C-T.
Other names: c.1615C>T, p.Gln539Ter (NM_001123226.2); c.1570C>T, p.Gln524Ter (NM_133645.3); short protein forms Q524*, Q499*, Q539*.
Identifiers: ClinVar variation 2150945 (VCV002150945.4), dbSNP rs1322658068, ClinGen allele CA364717379.

ClinVar aggregate classification (germline): Pathogenic (1 of 4 stars; one submission).

Conditions:
Mitochondrial hypertrophic cardiomyopathy with lactic acidosis due to MTO1 deficiency. Also called: CARDIOMYOPATHY, INFANTILE HYPERTROPHIC MITOCHONDRIAL, AND LACTIC ACIDOSIS; Combined oxidative phosphorylation deficiency 10. Identifiers: Orphanet 314637, MedGen C4749921, MONDO:0013865, OMIM 614702.

Allele frequency attached by ClinVar (database versions not stated): gnomAD exomes below 0.00001; TOPMed 0.00002.
gnomAD v4.1: 3 of 1,613,198 alleles (0.00019%); highest among the groups gnomAD compares: Admixed American, 0.0017%; no homozygotes.

Submission:

Labcorp Genetics (formerly Invitae), Labcorp
Classification: Pathogenic for Mitochondrial hypertrophic cardiomyopathy with lactic acidosis due to MTO1 deficiency. Last evaluated: 2022-11-06. Review status: criteria provided, single submitter. Criteria: Invitae Variant Classification Sherloc (09022015). Collection method: clinical testing. Allele origin: germline.
Comment: This sequence change creates a premature translational stop signal (p.Gln499*) in the MTO1 gene. It is expected to result in an absent or disrupted protein product. Loss-of-function variants in MTO1 are known to be pathogenic (PMID: 22608499, 25058219). This variant is not present in population databases (gnomAD no frequency). For these reasons, this variant has been classified as Pathogenic. This variant has not been reported in the literature in individuals affected with MTO1-related conditions.

Literature cited by the submitters: PubMed 22608499; PubMed 25058219.